The following is an entry in ClinVar:

ClinVar aggregate classification (germline): Uncertain significance. Review status: criteria provided, multiple submitters, no conflicts (2 of 4 stars). 2 submissions from 2 submitters: Uncertain significance (2). Last evaluated 2025-04-03.

Conditions:
Inborn genetic diseases. Identifiers: MedGen C0950123, MeSH D030342.

Allele frequency attached by ClinVar (database versions not stated): TOPMed 0.00001.

Submissions (2):

Ambry Genetics
Classification: Uncertain significance for Inborn genetic diseases. Last evaluated: 2025-04-03. Review status: criteria provided, single submitter. Criteria: Ambry Variant Classification Scheme 2023. Collection method: clinical testing. Allele origin: germline.

Labcorp Genetics (formerly Invitae), Labcorp
Classification: Uncertain significance. Last evaluated: 2022-10-17. Review status: criteria provided, single submitter. Criteria: Invitae Variant Classification Sherloc (09022015). Collection method: clinical testing. Allele origin: germline.
Comment: This sequence change replaces serine, which is neutral and polar, with phenylalanine, which is neutral and non-polar, at codon 341 of the SLC24A5 protein (p.Ser341Phe). This variant is not present in population databases (gnomAD no frequency). This variant has not been reported in the literature in individuals affected with SLC24A5-related conditions. ClinVar contains an entry for this variant (Variation ID: 1501874). Advanced modeling of protein sequence and biophysical properties (such as structural, functional, and spatial information, amino acid conservation, physicochemical variation, residue mobility, and thermodynamic stability) performed at Invitae indicates that this missense variant is expected to disrupt SLC24A5 protein function. In summary, the available evidence is currently insufficient to determine the role of this variant in disease. Therefore, it has been classified as a Variant of Uncertain Significance.

NM_205850.3(SLC24A5):c.1022C>T (p.Ser341Phe)

Genes: MYEF2 (myelin expression factor 2; minus strand), SLC24A5 (solute carrier family 24 member 5; plus strand). Cytogenetic location: 15q21.1.
Variant type: single nucleotide variant.
Coding change: c.1022C>T on transcript NM_205850.3 (MANE Select); coding-DNA position 1022, C replaced by T.
Protein change: p.Ser341Phe; replaces serine 341 with phenylalanine.
Molecular consequence: missense variant. On other transcripts: 3 prime UTR variant (2).
Genome position (GRCh38, 1-based): chr15:48,139,119, C>T. VCF-style: chr15-48139119-C-T. GRCh37 (hg19) VCF-style: chr15-48431316-C-T.
Other names: c.1022C>T (NM_205850.2); c.*3789G>A (NM_001301210.2, NM_016132.5); short protein forms S341F.
Identifiers: ClinVar variation 1501874 (VCV001501874.7), dbSNP rs2038977009, ClinGen allele CA392453166.